The following is an entry in ClinVar:

NM_002386.4(MC1R):c.44A>C (p.Asn15Thr)

Gene: MC1R (melanocortin 1 receptor; plus strand). Cytogenetic location: 16q24.3.
Variant type: single nucleotide variant.
Coding change: c.44A>C on transcript NM_002386.4 (MANE Select); coding-DNA position 44, A replaced by C.
Protein change: p.Asn15Thr; replaces asparagine 15 with threonine.
Molecular consequence: missense variant.
Genome position (GRCh38, 1-based): chr16:89,919,302, A>C. VCF-style: chr16-89919302-A-C. GRCh37 (hg19) VCF-style: chr16-89985710-A-C.
Other names: c.44A>C (NM_002386.3); short protein forms N15T.
Identifiers: ClinVar variation 1433663 (VCV001433663.9), dbSNP rs771596986, ClinGen allele CA8255467.

ClinVar aggregate classification (germline): Uncertain significance. Review status: criteria provided, multiple submitters, no conflicts (2 of 4 stars). 2 submissions from 2 submitters: Uncertain significance (2). Last evaluated 2025-01-22.

Conditions:
Melanoma, cutaneous malignant, susceptibility to, 5. Also called: Cutaneous malignant melanoma 5. Identifiers: Orphanet 618, MedGen C2751295, MONDO:0013133, OMIM 613099.

Allele frequency attached by ClinVar (database versions not stated): gnomAD exomes 0.00001.
gnomAD v4.1: 7 of 1,608,176 alleles (0.00044%); highest among the groups gnomAD compares: Admixed American, 0.0034%; no homozygotes.

Submissions (2):

Ambry Genetics
Classification: Uncertain significance. Last evaluated: 2025-01-22. Review status: criteria provided, single submitter. Criteria: Ambry Variant Classification Scheme 2023. Collection method: clinical testing. Allele origin: germline.
Comment: The p.N15T variant (also known as c.44A>C), located in coding exon 1 of the MC1R gene, results from an A to C substitution at nucleotide position 44. The asparagine at codon 15 is replaced by threonine, an amino acid with similar properties. This amino acid position is conserved. In addition, this alteration is predicted to be tolerated by in silico analysis. Based on the available evidence, the clinical significance of this variant remains unclear.

Labcorp Genetics (formerly Invitae), Labcorp
Classification: Uncertain significance for Melanoma, cutaneous malignant, susceptibility to, 5. Last evaluated: 2021-07-15. Review status: criteria provided, single submitter. Criteria: Invitae Variant Classification Sherloc (09022015). Collection method: clinical testing. Allele origin: germline.
Comment: In summary, the available evidence is currently insufficient to determine the role of this variant in disease. Therefore, it has been classified as a Variant of Uncertain Significance. Algorithms developed to predict the effect of missense changes on protein structure and function are either unavailable or do not agree on the potential impact of this missense change (SIFT: "Deleterious"; PolyPhen-2: "Possibly Damaging"; Align-GVGD: "Class C0"). This variant has not been reported in the literature in individuals with MC1R-related conditions. This variant is present in population databases (rs771596986, ExAC 0.003%). This sequence change replaces asparagine with threonine at codon 15 of the MC1R protein (p.Asn15Thr). The asparagine residue is highly conserved and there is a small physicochemical difference between asparagine and threonine.